The following is an entry in ClinVar:

NM_000548.5(TSC2):c.2749C>T (p.Arg917Trp)

Gene: TSC2 (TSC complex subunit 2; plus strand). Cytogenetic location: 16p13.3.
Variant type: single nucleotide variant.
Coding change: c.2749C>T on transcript NM_000548.5 (MANE Select); coding-DNA position 2749, C replaced by T.
Protein change: p.Arg917Trp; replaces arginine 917 with tryptophan.
Molecular consequence: missense variant.
Genome position (GRCh38, 1-based): chr16:2,076,497, C>T. VCF-style: chr16-2076497-C-T. GRCh37 (hg19) VCF-style: chr16-2126498-C-T.
Other names: c.2749C>T, p.Arg917Trp (NM_001370405.1, NM_021055.3, NM_001077183.3 and 3 more transcripts); c.2638C>T, p.Arg880Trp (NM_001318827.2); c.2602C>T, p.Arg868Trp (NM_001318829.2); c.2149C>T, p.Arg717Trp (NM_001318831.2); c.2782C>T, p.Arg928Trp (NM_001318832.2); short protein forms R917W, R880W, R717W, R868W, R928W.
Identifiers: ClinVar variation 467964 (VCV000467964.18), dbSNP rs781587135, ClinGen allele CA041738.
Genomic context (GRCh38, chr16:2,076,497, plus strand): 5'-GGCCTCCAGCCCCCATTGCCACCCCTCACTGTCTGGGTGTGCTCACTCTGCCAGGGCCTG[C>T]GGTCCAATGTCCTCTTGTCTTTTGATGACACCCCCGAGAAGGACAGCTTCAGGGCCCGGA-3'
Protein context (NP_000539.2, residues 907-927): DFVPFITKGL[Arg917Trp]SNVLLSFDDT

ClinVar aggregate classification (germline): Conflicting classifications of pathogenicity. Review status: criteria provided, conflicting classifications (1 of 4 stars). 4 submissions from 4 submitters: Uncertain significance (2); Likely benign (2). Last evaluated 2026-02-03.

Conditions:
Hereditary cancer-predisposing syndrome. Also called: Hereditary neoplastic syndrome; Neoplastic Syndromes, Hereditary; Tumor predisposition; Hereditary Cancer Syndrome. Identifiers: Orphanet 140162, MedGen C0027672, MeSH D009386, MONDO:0015356.
Tuberous sclerosis 2 (TSC2). Identifiers: Orphanet 805, MedGen C1860707, MONDO:0013199, OMIM 613254.
Tuberous sclerosis syndrome (TSC). Also called: Tuberous Sclerosis Complex; Tuberous sclerosis. Identifiers: Orphanet 805, MedGen C0041341, MONDO:0001734.

Allele frequency attached by ClinVar (database versions not stated): ExAC 0.00001; gnomAD 0.00001; gnomAD exomes 0.00001; TOPMed 0.00002.

Submissions (4):

Labcorp Genetics (formerly Invitae), Labcorp
Classification: Likely benign for Tuberous sclerosis 2. Last evaluated: 2026-02-03. Review status: criteria provided, single submitter. Criteria: Invitae Variant Classification Sherloc (09022015). Collection method: clinical testing. Allele origin: germline.

Ambry Genetics
Classification: Uncertain significance for Hereditary cancer-predisposing syndrome. Last evaluated: 2025-09-15. Review status: criteria provided, single submitter. Criteria: Ambry Variant Classification Scheme 2023. Collection method: clinical testing. Allele origin: germline.
Comment: The p.R917W variant (also known as c.2749C>T), located in coding exon 24 of the TSC2 gene, results from a C to T substitution at nucleotide position 2749. The arginine at codon 917 is replaced by tryptophan, an amino acid with dissimilar properties. This variant has been detected in multiple individuals with no reported features of Tuberous sclerosis complex (Ambry internal data). This amino acid position is highly conserved in available vertebrate species. In addition, this alteration is predicted to be deleterious by in silico analysis. Based on the available evidence, the clinical significance of this variant remains unclear.

Color Diagnostics, LLC DBA Color Health
Classification: Likely benign for Tuberous sclerosis syndrome. Last evaluated: 2025-07-21. Review status: criteria provided, single submitter. Criteria: ACMG Guidelines, 2015. Collection method: clinical testing. Allele origin: germline.

All of Us Research Program, National Institutes of Health
Classification: Uncertain significance for Tuberous sclerosis syndrome. Last evaluated: 2023-08-23. Review status: criteria provided, single submitter. Criteria: ACMG Guidelines, 2015. Collection method: clinical testing. Allele origin: germline. Inheritance: Autosomal dominant inheritance. Observed: 2 variant alleles, 2 heterozygotes.
Comment: This missense variant replaces arginine with tryptophan at codon 917 of the TSC2 protein. Computational prediction suggests that this variant may have deleterious impact on protein structure and function (internally defined REVEL score threshold >= 0.7, PMID: 27666373). To our knowledge, functional studies have not been reported for this variant. This variant has not been reported in individuals affected with tuberous sclerosis complex in the literature. This variant has been identified in 3/250798 chromosomes in the general population by the Genome Aggregation Database (gnomAD). The available evidence is insufficient to determine the role of this variant in disease conclusively. Therefore, this variant is classified as a Variant of Uncertain Significance.

This study involves interpretation of variants in research participants for the purpose of population health screening. Participant phenotype was not available at the time of variant classification. Additional details can be found in publication PMID: 35346344, PMCID: PMC8962531